The following is an entry in ClinVar:

NM_001040151.2(SCN3B):c.371G>A (p.Arg124Gln)

Gene: SCN3B (sodium voltage-gated channel beta subunit 3; minus strand). Cytogenetic location: 11q24.1.
Variant type: single nucleotide variant.
Coding change: c.371G>A on transcript NM_001040151.2 (MANE Select); coding-DNA position 371, G replaced by A.
Protein change: p.Arg124Gln; replaces arginine 124 with glutamine.
Molecular consequence: missense variant.
Genome position (GRCh38, 1-based): chr11:123,642,520, C>T on the plus strand (G>A on the coding strand, the complement: SCN3B is on the minus strand). VCF-style: chr11-123642520-C-T. GRCh37 (hg19) VCF-style: chr11-123513228-C-T.
Other names: p.Arg124Gln; c.371G>A, p.Arg124Gln (NM_018400.4); short protein forms R124Q.
Identifiers: ClinVar variation 1734275 (VCV001734275.6), dbSNP rs201894537, ClinGen allele CA6334032.
Genomic context (GRCh38, chr11:123,642,520, plus strand): 5'-CTTAGGGGGATCAGCCGCGTCGTCTTCACAAAGGGCCGATGCGCCTCAAACTCAAACTCC[C>T]GGGACACATTGCAGGTGTAGAGGCCAGAGTCGTTCAGAGTGACGTTGAGCACAGTGATGG-3'
Protein context (NP_001035241.1, residues 114-134): DSGLYTCNVS[Arg124Gln]EFEFEAHRPF

ClinVar aggregate classification (germline): Uncertain significance. Review status: criteria provided, multiple submitters, no conflicts (2 of 4 stars). 3 submissions from 3 submitters: Uncertain significance (3). Last evaluated 2025-10-22.

Conditions:
Brugada syndrome 7 (BRGDA7). Identifiers: Orphanet 130, MedGen C2751088, MONDO:0013146, OMIM 613120.
Cardiovascular phenotype. Identifiers: MedGen CN230736.

Allele frequency attached by ClinVar (database versions not stated): 1000 Genomes Project 0.00020; TOPMed 0.00002; 1000 Genomes Project 30x 0.00016; gnomAD exomes 0.00002; gnomAD 0.00001; ExAC 0.00002.
gnomAD v4.1: 28 of 1,614,174 alleles (0.0017%); highest among the groups gnomAD compares: Non-Finnish European, 0.002%; no homozygotes.

Submissions (3):

Petrovsky National Research Centre of Surgery, The Federal Agency for Scientific Organizations
Classification: Uncertain significance for Brugada syndrome 7. Last evaluated: 2025-10-22. Review status: criteria provided, single submitter. Criteria: ACMG Guidelines, 2015. Collection method: clinical testing. Allele origin: germline. Inheritance: Autosomal dominant inheritance. Affected: yes. Observed: 1 heterozygote.
Comment: The NM_001040151.2:c.371G>A (p.Arg124Gln) variant is in The Genome Aggregation Database (gnomAD) v4.1.0 with total MAF 0.00001735 (Date of access 22-10-2025). ClinVar contains an entry for this variant (Variation ID: 1734275). In accordance with ACMG (2015) criteria this variant is classified as Variant of Uncertain Significance (VUS) with following criteria selected: PM2, PP3.

Ambry Genetics
Classification: Uncertain significance for Cardiovascular phenotype. Last evaluated: 2024-01-27. Review status: criteria provided, single submitter. Criteria: Ambry Variant Classification Scheme 2023. Collection method: clinical testing. Allele origin: germline.
Comment: The p.R124Q variant (also known as c.371G>A), located in coding exon 3 of the SCN3B gene, results from a G to A substitution at nucleotide position 371. The arginine at codon 124 is replaced by glutamine, an amino acid with highly similar properties. This amino acid position is conserved. In addition, this alteration is predicted to be deleterious by in silico analysis. Since supporting evidence is limited at this time, the clinical significance of this alteration remains unclear.

Labcorp Genetics (formerly Invitae), Labcorp
Classification: Uncertain significance for Brugada syndrome 7. Last evaluated: 2022-01-06. Review status: criteria provided, single submitter. Criteria: Invitae Variant Classification Sherloc (09022015). Collection method: clinical testing. Allele origin: germline.
Comment: This sequence change replaces arginine, which is basic and polar, with glutamine, which is neutral and polar, at codon 124 of the SCN3B protein (p.Arg124Gln). In summary, the available evidence is currently insufficient to determine the role of this variant in disease. Therefore, it has been classified as a Variant of Uncertain Significance. Algorithms developed to predict the effect of sequence changes on RNA splicing suggest that this variant may create or strengthen a splice site. Algorithms developed to predict the effect of missense changes on protein structure and function (SIFT, PolyPhen-2, Align-GVGD) all suggest that this variant is likely to be disruptive. This variant has not been reported in the literature in individuals affected with SCN3B-related conditions. This variant is present in population databases (rs201894537, gnomAD 0.003%).